The following is an entry in ClinVar:

ClinVar aggregate classification (germline): Uncertain significance (1 of 4 stars; one submission).

gnomAD v4.1: 1 of 1,614,128 alleles (0.000062%); highest among the groups gnomAD compares: Non-Finnish European, 0.000085%; no homozygotes.

Submission:

Quest Diagnostics Nichols Institute San Juan Capistrano
Classification: Uncertain significance. Last evaluated: 2024-04-24. Review status: criteria provided, single submitter. Criteria: Quest Diagnostics criteria. Collection method: clinical testing. Allele origin: unknown.
Comment: The APOB c.10431T>G (p.Val3477=) synonymous variant has not been reported in individuals with APOB-related conditions in the published literature. It also has not been reported in large, multi-ethnic general populations (Genome Aggregation Database). Analysis of this variant using software algorithms for the prediction of the effect of nucleotide changes on splicing yielded predictions that this variant does not affect APOB mRNA splicing. Based on the available information, we are unable to determine the clinical significance of this variant.

NM_000384.3(APOB):c.10431T>G (p.Val3477=)

Gene: APOB (apolipoprotein B; minus strand). Cytogenetic location: 2p24.1.
Variant type: single nucleotide variant.
Coding change: c.10431T>G on transcript NM_000384.3 (MANE Select); coding-DNA position 10431, T replaced by G.
Protein change: p.Val3477=; no amino-acid change (valine 3477 retained).
Molecular consequence: synonymous variant.
Genome position (GRCh38, 1-based): chr2:21,006,437, A>C on the plus strand (T>G on the coding strand, the complement: APOB is on the minus strand). VCF-style: chr2-21006437-A-C. GRCh37 (hg19) VCF-style: chr2-21229309-A-C.
Identifiers: ClinVar variation 3572061 (VCV003572061.1).